The following is an entry in ClinVar:

ClinVar aggregate classification (germline): Pathogenic/Likely pathogenic. Review status: criteria provided, multiple submitters, no conflicts (2 of 4 stars). 3 submissions from 3 submitters: Pathogenic (2); Likely pathogenic (1). Last evaluated 2025-11-25.

Conditions:
Long QT syndrome (LQTS). Identifiers: MedGen C0023976, MeSH D008133, MONDO:0002442. Disease mechanism: loss of function. Inheritance: Various modes of inheritance.

Submissions (3):

Women's Health and Genetics/Laboratory Corporation of America, LabCorp
Classification: Pathogenic for Long QT syndrome. Last evaluated: 2025-11-25. Review status: criteria provided, single submitter. Criteria: LabCorp Variant Classification Summary - May 2015. Collection method: clinical testing. Allele origin: germline.
Comment: Variant summary: KCNH2 c.1348C>T (p.Gln450X) results in a premature termination codon, predicted to cause a truncation of the encoded protein or absence of the protein due to nonsense mediated decay, which are commonly known mechanisms for disease. The variant was absent in 251330 control chromosomes. c.1348C>T has been observed in individual(s) affected with Long QT Syndrome (Kapplinger_2009). To our knowledge, no experimental evidence demonstrating an impact on protein function has been reported. The following publication has been ascertained in the context of this evaluation (PMID: 19716085). ClinVar contains an entry for this variant (Variation ID: 620154). Based on the evidence outlined above, the variant was classified as pathogenic.

Labcorp Genetics (formerly Invitae), Labcorp
Classification: Pathogenic for Long QT syndrome. Last evaluated: 2024-05-10. Review status: criteria provided, single submitter. Criteria: Invitae Variant Classification Sherloc (09022015). Collection method: clinical testing. Allele origin: germline.
Comment: This sequence change creates a premature translational stop signal (p.Gln450*) in the KCNH2 gene. It is expected to result in an absent or disrupted protein product. Loss-of-function variants in KCNH2 are known to be pathogenic (PMID: 10973849, 19862833). This variant is not present in population databases (gnomAD no frequency). This premature translational stop signal has been observed in individual(s) with clinical features of long QT syndrome (PMID: 19716085). ClinVar contains an entry for this variant (Variation ID: 620154). For these reasons, this variant has been classified as Pathogenic.

GeneDx
Classification: Likely pathogenic. Last evaluated: 2021-03-23. Review status: criteria provided, single submitter. Criteria: GeneDx Variant Classification Process June 2021. Collection method: clinical testing. Allele origin: germline. Affected: yes.
Comment: Reported in patients with LQTS and/or referred for LQTS genetic testing (Kapplinger et al., 2009; Shimizu et al., 2009; Goldenberg et al., 2011); Not observed in large population cohorts (Lek et al., 2016); Nonsense variant predicted to result in protein truncation or nonsense mediated decay in a gene for which loss-of-function is a known mechanism of disease; This variant is associated with the following publications: (PMID: 25525159, 21185501, 19926013, 19716085)

Literature cited by the submitters: PubMed 19716085 (cited by Women's Health and Genetics/Laboratory Corporation of America, LabCorp and Labcorp Genetics (formerly Invitae), Labcorp); PubMed 10973849 (cited by Labcorp Genetics (formerly Invitae), Labcorp); PubMed 19862833 (cited by Labcorp Genetics (formerly Invitae), Labcorp).

NM_000238.4(KCNH2):c.1348C>T (p.Gln450Ter)

Gene: KCNH2 (potassium voltage-gated channel subfamily H member 2; minus strand). Cytogenetic location: 7q36.1.
Variant type: single nucleotide variant.
Coding change: c.1348C>T on transcript NM_000238.4 (MANE Select); coding-DNA position 1348, C replaced by T.
Protein change: p.Gln450Ter; replaces glutamine 450 with a stop codon.
Molecular consequence: nonsense.
Genome position (GRCh38, 1-based): chr7:150,952,634, G>A on the plus strand (C>T on the coding strand, the complement: KCNH2 is on the minus strand). VCF-style: chr7-150952634-G-A. GRCh37 (hg19) VCF-style: chr7-150649722-G-A.
Other names: c.328C>T, p.Gln110Ter (NM_001204798.2, NM_172057.3); c.1060C>T, p.Gln354Ter (NM_001406753.1, NM_001406756.1); c.1171C>T, p.Gln391Ter (NM_001406755.1); c.1048C>T, p.Gln350Ter (NM_001406757.1); c.1348C>T, p.Gln450Ter (NM_172056.3); short protein forms Q110*, Q450*, Q391*, Q350*, Q354*.
Identifiers: ClinVar variation 620154 (VCV000620154.12), dbSNP rs1563160541, ClinGen allele CA369859937.
Genomic context (GRCh38, chr7:150,952,634, plus strand): 5'-TGATGAGGATGTCCACAATGAACATGATGTCCACGATGAGGTCCACCACAGCCAGCGGCT[G>A]GCAGGCGTAGCCACACTCGGTAGCAGGCGGGCCTTCTTCCGTCTCCTTCAGCAGGAAGGC-3'